The following is an entry in ClinVar:

NM_006016.6(CD164):c.218T>A (p.Val73Asp)

Gene: CD164 (CD164 molecule; minus strand). Cytogenetic location: 6q21.
Variant type: single nucleotide variant.
Coding change: c.218T>A on transcript NM_006016.6 (MANE Select); coding-DNA position 218, T replaced by A.
Protein change: p.Val73Asp; replaces valine 73 with aspartic acid.
Molecular consequence: missense variant.
Genome position (GRCh38, 1-based): chr6:109,379,620, A>T on the plus strand (T>A on the coding strand, the complement: CD164 is on the minus strand). VCF-style: chr6-109379620-A-T. GRCh37 (hg19) VCF-style: chr6-109700823-A-T.
Other names: c.218T>A, p.Val73Asp (NM_001142401.3, NM_001142402.3, NM_001142403.3 and 1 more transcripts); c.116T>A, p.Val39Asp (NM_001346500.2); short protein forms V73D, V39D.
Identifiers: ClinVar variation 4743489 (VCV004743489.1).

ClinVar aggregate classification (germline): Uncertain significance (1 of 4 stars; one submission).

gnomAD v4.1: 38 of 1,613,632 alleles (0.0024%); highest among the groups gnomAD compares: East Asian, 0.082%; no homozygotes.

Submission:

Labcorp Genetics (formerly Invitae), Labcorp
Classification: Uncertain significance. Last evaluated: 2025-07-24. Review status: criteria provided, single submitter. Criteria: Invitae Variant Classification Sherloc (09022015). Collection method: clinical testing. Allele origin: germline.
Comment: This sequence change replaces valine, which is neutral and non-polar, with aspartic acid, which is acidic and polar, at codon 73 of the CD164 protein (p.Val73Asp). This variant is present in population databases (rs766438480, gnomAD 0.01%). This missense change has been observed in individual(s) with deafness (PMID: 36597107). An algorithm developed to predict the effect of missense changes on protein structure and function (PolyPhen-2) suggests that this variant is likely to be tolerated. In summary, the available evidence is currently insufficient to determine the role of this variant in disease. Therefore, it has been classified as a Variant of Uncertain Significance.

Literature cited by the submitters: PubMed 36597107.